The following is an entry in ClinVar:

NM_021930.6(RINT1):c.2367T>A (p.Asn789Lys)

Genes: EFCAB10 (EF-hand calcium binding domain 10; minus strand), RINT1 (RAD50 interactor 1; plus strand). Cytogenetic location: 7q22.3.
Variant type: single nucleotide variant.
Coding change: c.2367T>A on transcript NM_021930.6 (MANE Select); coding-DNA position 2367, T replaced by A.
Protein change: p.Asn789Lys; replaces asparagine 789 with lysine.
Molecular consequence: missense variant. On other transcripts: 3 prime UTR variant (2), non-coding transcript variant (1), intron variant (3).
Genome position (GRCh38, 1-based): chr7:105,567,299, T>A. VCF-style: chr7-105567299-T-A. GRCh37 (hg19) VCF-style: chr7-105207746-T-A.
Other names: c.*155A>T (NM_001355527.2, NM_001355529.2); c.2133T>A, p.Asn711Lys (NM_001346599.2); c.1344T>A, p.Asn448Lys (NM_001346600.2, NM_001346603.2); c.1443T>A, p.Asn481Lys (NM_001346601.2); c.360-1852A>T (NM_001355531.2); c.383+168A>T (NM_001355526.2, NM_001355530.2); short protein forms N481K, N448K, N711K, N789K.
Identifiers: ClinVar variation 4578218 (VCV004578218.1).

ClinVar aggregate classification (germline): Uncertain significance (1 of 4 stars; one submission).

Submission:

Ambry Genetics
Classification: Uncertain significance. Last evaluated: 2025-10-21. Review status: criteria provided, single submitter. Criteria: Ambry Variant Classification Scheme 2023. Collection method: clinical testing. Allele origin: germline.
Comment: The p.N789K variant (also known as c.2367T>A), located in coding exon 15 of the RINT1 gene, results from a T to A substitution at nucleotide position 2367. The asparagine at codon 789 is replaced by lysine, an amino acid with similar properties. This amino acid position is conserved. In addition, this alteration is predicted to be tolerated by in silico analysis. Based on the available evidence, the clinical significance of this variant remains unclear.